The following is an entry in ClinVar:

ClinVar aggregate classification (germline): Uncertain significance. Review status: criteria provided, multiple submitters, no conflicts (2 of 4 stars). 4 submissions from 4 submitters: Uncertain significance (4). Last evaluated 2024-12-17.

Conditions:
Action myoclonus-renal failure syndrome. Also called: EPILEPSY, PROGRESSIVE MYOCLONIC, 4, WITH RENAL FAILURE; EPILEPSY, PROGRESSIVE MYOCLONIC, 4, WITHOUT RENAL FAILURE; SCARB2-Related Action Myoclonus-Renal Failure Syndrome; MYOCLONUS-NEPHROPATHY SYNDROME. Identifiers: Orphanet 163696, MedGen C0751779, MeSH D020191, MONDO:0009699, OMIM 254900.
Progressive myoclonic epilepsy. Also called: Familial progressive myoclonic epilepsy; Myoclonic Epilepsies, Progressive; Myoclonus epilepsy; Progressive myoclonus epilepsy. Identifiers: Orphanet 308, Orphanet 98261, MedGen C0751778, MONDO:0020074.

Allele frequency attached by ClinVar (database versions not stated): gnomAD exomes below 0.00001; gnomAD 0.00003; TOPMed 0.00004.
gnomAD v4.1: 10 of 1,605,482 alleles (0.00062%); highest among the groups gnomAD compares: African/African-American, 0.011%; no homozygotes.

Submissions (4):

Mayo Clinic Laboratories, Mayo Clinic
Classification: Uncertain significance. Last evaluated: 2024-12-17. Review status: criteria provided, single submitter. Criteria: ACMG Guidelines, 2015. Collection method: clinical testing. Allele origin: germline. Observed: 1 variant allele.
Comment: PM2_supporting

Labcorp Genetics (formerly Invitae), Labcorp
Classification: Uncertain significance for Progressive myoclonic epilepsy. Last evaluated: 2024-10-22. Review status: criteria provided, single submitter. Criteria: Invitae Variant Classification Sherloc (09022015). Collection method: clinical testing. Allele origin: germline.
Comment: This sequence change affects codon 39 of the SCARB2 mRNA. It is a 'silent' change, meaning that it does not change the encoded amino acid sequence of the SCARB2 protein. This variant also falls at the last nucleotide of exon 1, which is part of the consensus splice site for this exon. This variant is present in population databases (no rsID available, gnomAD 0.009%). This variant has not been reported in the literature in individuals affected with SCARB2-related conditions. ClinVar contains an entry for this variant (Variation ID: 665661). Variants that disrupt the consensus splice site are a relatively common cause of aberrant splicing (PMID: 17576681, 9536098). Algorithms developed to predict the effect of sequence changes on RNA splicing suggest that this variant may disrupt the consensus splice site. In summary, the available evidence is currently insufficient to determine the role of this variant in disease. Therefore, it has been classified as a Variant of Uncertain Significance.

GeneDx
Classification: Uncertain significance. Last evaluated: 2024-07-22. Review status: criteria provided, single submitter. Criteria: GeneDx Variant Classification Process June 2021. Collection method: clinical testing. Allele origin: germline. Affected: yes.
Comment: Not observed at significant frequency in large population cohorts (gnomAD); In silico analysis indicates that this variant does not alter splicing; Has not been previously published as pathogenic or benign to our knowledge

Fulgent Genetics
Classification: Uncertain significance for Action myoclonus-renal failure syndrome. Last evaluated: 2021-07-29. Review status: criteria provided, single submitter. Criteria: ACMG Guidelines, 2015. Collection method: clinical testing. Allele origin: unknown.

Literature cited by the submitters: PubMed 17576681 (cited by Labcorp Genetics (formerly Invitae), Labcorp); PubMed 9536098 (cited by Labcorp Genetics (formerly Invitae), Labcorp).

NM_005506.4(SCARB2):c.117G>A (p.Lys39=)

Gene: SCARB2 (scavenger receptor class B member 2; minus strand). Cytogenetic location: 4q21.1.
Variant type: single nucleotide variant.
Coding change: c.117G>A on transcript NM_005506.4 (MANE Select); coding-DNA position 117, G replaced by A.
Protein change: p.Lys39=; no amino-acid change (lysine 39 retained).
Molecular consequence: synonymous variant.
Genome position (GRCh38, 1-based): chr4:76,213,427, C>T on the plus strand (G>A on the coding strand, the complement: SCARB2 is on the minus strand). VCF-style: chr4-76213427-C-T. GRCh37 (hg19) VCF-style: chr4-77134580-C-T.
Other names: p.Lys39=; c.117G>A, p.Lys39= (NM_001204255.2).
Identifiers: ClinVar variation 665661 (VCV000665661.12), dbSNP rs1006710581, ClinGen allele CA99863927.